The following is an entry in ClinVar:

ClinVar aggregate classification (germline): Uncertain significance (1 of 4 stars; one submission).

Conditions:
Neurofibromatosis, type 1 (NF1). Also called: VON RECKLINGHAUSEN DISEASE; Neurofibromatosis, type I; NEUROFIBROMATOSIS, TYPE I, SOMATIC; Peripheral type neurofibromatosis. Identifiers: Orphanet 636, MedGen C0027831, MONDO:0018975, OMIM 162200. Disease mechanism: loss of function.

Allele frequency attached by ClinVar (database versions not stated): gnomAD exomes below 0.00001.
gnomAD v4.1: 1 of 1,613,354 alleles (0.000062%); highest among the groups gnomAD compares: East Asian, 0.0022%; no homozygotes.

Submission:

Labcorp Genetics (formerly Invitae), Labcorp
Classification: Uncertain significance for Neurofibromatosis, type 1. Last evaluated: 2023-01-17. Review status: criteria provided, single submitter. Criteria: Invitae Variant Classification Sherloc (09022015). Collection method: clinical testing. Allele origin: germline.
Comment: In summary, the available evidence is currently insufficient to determine the role of this variant in disease. Therefore, it has been classified as a Variant of Uncertain Significance. Advanced modeling of protein sequence and biophysical properties (such as structural, functional, and spatial information, amino acid conservation, physicochemical variation, residue mobility, and thermodynamic stability) performed at Invitae indicates that this missense variant is not expected to disrupt NF1 protein function. This sequence change replaces proline, which is neutral and non-polar, with serine, which is neutral and polar, at codon 516 of the NF1 protein (p.Pro516Ser). This variant is not present in population databases (gnomAD no frequency). This variant has not been reported in the literature in individuals affected with NF1-related conditions.

NM_001042492.3(NF1):c.1546C>T (p.Pro516Ser)

Gene: NF1 (neurofibromin 1; plus strand). Cytogenetic location: 17q11.2.
Variant type: single nucleotide variant.
Coding change: c.1546C>T on transcript NM_001042492.3 (MANE Select); coding-DNA position 1546, C replaced by T.
Protein change: p.Pro516Ser; replaces proline 516 with serine.
Molecular consequence: missense variant.
Genome position (GRCh38, 1-based): chr17:31,219,023, C>T. VCF-style: chr17-31219023-C-T. GRCh37 (hg19) VCF-style: chr17-29546041-C-T.
Other names: c.1546C>T, p.Pro516Ser (NM_000267.4, NM_001128147.3); short protein forms P516S.
Identifiers: ClinVar variation 2766087 (VCV002766087.3), dbSNP rs2143985837, ClinGen allele CA399001852.